The following is an entry in ClinVar:

ClinVar aggregate classification (germline): Pathogenic/Likely pathogenic. Review status: criteria provided, multiple submitters, no conflicts (2 of 4 stars). 4 submissions from 4 submitters: Pathogenic (2); Likely pathogenic (1). 1 of the submissions does not count toward it. Last evaluated 2022-03-31.

Conditions:
Cardiovascular phenotype. Identifiers: MedGen CN230736.
Familial long QT syndrome (RWS). Also called: Congenital long QT syndrome; Romano-Ward syndrome; VENTRICULAR FIBRILLATION WITH PROLONGED QT INTERVAL. Identifiers: Orphanet 768, MedGen C1141890, MONDO:0019171.
Long QT syndrome 1 (LQT1). Identifiers: Orphanet 101016, Orphanet 768, MedGen C4551647, MONDO:0100316, OMIM 192500, MONDO:0008646.

Submissions (4):

Victorian Clinical Genetics Services, Murdoch Childrens Research Institute
Classification: Pathogenic for Long QT syndrome 1. Last evaluated: 2022-03-31. Review status: criteria provided, single submitter. Criteria: ACMG Guidelines, 2015. Collection method: clinical testing. Allele origin: germline. Inheritance: Autosomal dominant inheritance.
Comment: Based on the classification scheme VCGS_Germline_v1.3.4, this variant is classified as Pathogenic. Following criteria are met: 0103 - Dominant negative, loss of function and gain of function are known mechanisms of disease in this gene. Gain of function variants result exclusively in short QT syndrome (MIM#609621), while dominant negative and loss of function variants can cause long QT syndrome (LQTS, MIM#192500), atrial fibrillation (MIM#607554) and Jervell and Lange-Nielsen syndrome (JLNS, MIM#220400) (OMIM; PMIDs: 19632626, 28438721). (I) 0108 - This gene is known to be associated with both recessive and dominant disease. JLNS is characterized by congenital, bilateral deafness and variable degrees of QT prolongation, and is the only condition caused by biallelic variants (PMID: 28438721). (I) 0112 - The condition associated with this gene has incomplete penetrance (OMIM, GeneReviews). (I) 0200 - Variant is predicted to result in a missense amino acid change from tyrosine to serine. (I) 0251 - This variant is heterozygous. (I) 0301 - Variant is absent from gnomAD (both v2 and v3). (SP) 0501 - Missense variant consistently predicted to be damaging by multiple in silico tools or highly conserved with a major amino acid change. (SP) 0600 - Variant is located in the annotated S2/S3 transmembrane segment within the ion transport domain (DECIPHER, PMID: 10973849). (I) 0703 - Other missense variants comparable to the one identified in this case have moderate previous evidence for pathogenicity. The p.(Tyr184Asp) and p.(Tyr184His) variants have been reported in individuals with LQTS (ClinVar; PMIDs: 32893267, 19716085). (SP) 0801 - This variant has strong previous evidence of pathogenicity in unrelated individuals. This variant has been reported in at least five individuals with LQTS (ClinVar; PMIDs: 10220144, 10973849, 21350584, 23963746). Additionally, it has been proposed as a Dutch founder variant (PMID: 21350584). (SP) 0906 - Segregation evidence for this variant is inconclusive. While this variant has been shown to segregate in five affected individuals within the same family, it was also identified in five other asymptomatic family members whose ages ranged from 9-44 years old (PMID: 10220144). (I) 1002 - This variant has moderate functional evidence supporting abnormal protein function. Mutant protein co-expressed with WT protein in Xenopus oocytes resulted in channel current changes and channel rates of activation that were different from oocytes expressing just the WT protein and, were significantly different from oocytes mimicking the haploinsufficient phenotype. This variant demonstrated a partial dominant-negative mechanism (PMID: 21451124). (I) 1208 - Inheritance information for this variant is not currently available in this individual. (I) Legend: (SP) - Supporting pathogenic, (I) - Information, (SB) - Supporting benign

Mendelics
Classification: Pathogenic for Long QT syndrome 1. Last evaluated: 2019-05-28. Review status: criteria provided, single submitter. Criteria: Mendelics Assertion Criteria 2017. Collection method: clinical testing. Allele origin: unknown.

Ambry Genetics
Classification: Likely pathogenic for Cardiovascular phenotype. Last evaluated: 2017-09-25. Review status: criteria provided, single submitter. Criteria: Ambry Variant Classification Scheme 2023. Collection method: clinical testing. Allele origin: germline.
Comment: The p.Y184S variant (also known as c.551A>C), located in coding exon 3 of the KCNQ1 gene, results from an A to C substitution at nucleotide position 551. The tyrosine at codon 184 is replaced by serine, an amino acid with dissimilar properties. This alteration has been reported in several individuals with long QT syndrome (LQTS) (Splawski I et al. Circulation, 2000 Sep;102:1178-85; Kapa S et al. Circulation, 2009 Nov;120:1752-60; Giudicessi JR et al. Circ Cardiovasc Genet, 2012 Oct;5:519-28). In one Dutch family, this alteration co-segregated with disease in five affected family members across three generations, as well as being detected in additional asymptomatic carriers with somewhat prolonged QT intervals and one carrier with a normal QT interval (Jongbloed RJ et al. Hum. Mutat., 1999;13:301-10). Limited functional studies have suggested this alteration causes a dominant negative effect in transfected cells (Jons C et al. Sci Transl Med, 2011 Mar;3:76ra28). Alternate amino acid substitutions at this position, including Y184H and Y184C, have also been reported in individuals with LQTS, but clinical details were limited (Kapplinger JD et al. Heart Rhythm, 2009 Sep;6:1297-303; Gao Y et al. Cardiology, 2016 Oct;133:73-8).This amino acid position is highly conserved in available vertebrate species. In addition, this alteration is predicted to be deleterious by in silico analysis. Based on the majority of available evidence to date, this variant is likely to be pathogenic.

Cardiovascular Biomedical Research Unit, Royal Brompton & Harefield NHS Foundation Trust
No classification provided. Condition: Familial long QT syndrome. Review status: no classification provided. Collection method: literature only. Allele origin: germline. Not counted in ClinVar's aggregate classification.
Comment: This variant has been reported as associated with Long QT syndrome in the following publications (PMID:10220144;PMID:10973849;PMID:12566525;PMID:19841300;PMID:17470695). This is a literature report, and does not necessarily reflect the clinical interpretation of the Imperial College / Royal Brompton Cardiovascular Genetics laboratory.

Literature cited by the submitters: PubMed 10220144 (cited by 3 submitters); PubMed 10973849 (cited by 3 submitters); PubMed 19632626 (cited by Victorian Clinical Genetics Services, Murdoch Childrens Research Institute); PubMed 19716085 (cited by Victorian Clinical Genetics Services, Murdoch Childrens Research Institute); PubMed 20301308 (cited by Victorian Clinical Genetics Services, Murdoch Childrens Research Institute); PubMed 21350584 (cited by Victorian Clinical Genetics Services, Murdoch Childrens Research Institute); PubMed 21451124 (cited by Victorian Clinical Genetics Services, Murdoch Childrens Research Institute and Ambry Genetics); PubMed 23963746 (cited by Victorian Clinical Genetics Services, Murdoch Childrens Research Institute); PubMed 28438721 (cited by Victorian Clinical Genetics Services, Murdoch Childrens Research Institute); PubMed 32893267 (cited by Victorian Clinical Genetics Services, Murdoch Childrens Research Institute); PubMed 19841300 (cited by Ambry Genetics and Cardiovascular Biomedical Research Unit, Royal Brompton & Harefield NHS Foundation Trust); PubMed 22949429 (cited by Ambry Genetics); PubMed 12566525 (cited by Cardiovascular Biomedical Research Unit, Royal Brompton & Harefield NHS Foundation Trust); PubMed 17470695 (cited by Cardiovascular Biomedical Research Unit, Royal Brompton & Harefield NHS Foundation Trust); PubMed 22581653 (cited by Cardiovascular Biomedical Research Unit, Royal Brompton & Harefield NHS Foundation Trust).

NM_000218.3(KCNQ1):c.551A>C (p.Tyr184Ser)

Gene: KCNQ1 (potassium voltage-gated channel subfamily Q member 1; plus strand). Cytogenetic location: 11p15.5.
Variant type: single nucleotide variant.
Coding change: c.551A>C on transcript NM_000218.3 (MANE Select); coding-DNA position 551, A replaced by C.
Protein change: p.Tyr184Ser; replaces tyrosine 184 with serine.
Molecular consequence: missense variant.
Genome position (GRCh38, 1-based): chr11:2,570,701, A>C. VCF-style: chr11-2570701-A-C. GRCh37 (hg19) VCF-style: chr11-2591931-A-C.
Other names: c.551A>C (LRG_287t1); c.551A>C, p.Tyr184Ser (NM_001406836.1); c.281A>C, p.Tyr94Ser (NM_001406837.1); c.170A>C, p.Tyr57Ser (NM_181798.2); short protein forms Y184S, Y57S, Y94S.
Identifiers: ClinVar variation 53064 (VCV000053064.6), dbSNP rs199473397, ClinGen allele CA007421.